The following is an entry in ClinVar:

ClinVar aggregate classification (germline): Uncertain significance. Review status: criteria provided, multiple submitters, no conflicts (2 of 4 stars). 4 submissions from 4 submitters: Uncertain significance (4). Last evaluated 2025-12-23.

Conditions:
Inborn genetic diseases. Identifiers: MedGen C0950123, MeSH D030342.
Epidermolysis bullosa simplex 5B, with muscular dystrophy (EBS5B). Also called: Epidermolysis bullosa simplex with muscular dystrophy; EPIDERMOLYSIS BULLOSA SIMPLEX AND LIMB-GIRDLE MUSCULAR DYSTROPHY. Identifiers: Orphanet 257, MedGen C2931072, MONDO:0009181, OMIM 226670.
Epidermolysis bullosa simplex, Ogna type (EBS5A). Also called: Pidermolysis bullosa simplex 5A, Ogna type; EPIDERMOLYSIS BULLOSA SIMPLEX 5A, OGNA TYPE. Identifiers: Orphanet 79401, MedGen C0432317, MONDO:0007555, OMIM 131950.
Epidermolysis bullosa simplex with nail dystrophy (EBS5D). Identifiers: MedGen C4225309, MONDO:0014661, OMIM 616487.
Autosomal recessive limb-girdle muscular dystrophy type 2Q (LGMDR17). Also called: MUSCULAR DYSTROPHY, LIMB-GIRDLE, AUTOSOMAL RECESSIVE 17. Identifiers: Orphanet 254361, MedGen C3150989, MONDO:0013390, OMIM 613723.
Epidermolysis bullosa simplex 5C, with pyloric atresia (EBS5C). Also called: PLEC-Related Epidermolysis Bullosa with Pyloric Atresia; Epidermolysis bullosa simplex with pyloric atresia; PLEC1-Related Epidermolysis Bullosa with Pyloric Atresia. Identifiers: Orphanet 158684, MedGen C2677349, MONDO:0012807, OMIM 612138.

Allele frequency attached by ClinVar (database versions not stated): gnomAD 0.00001 and 0.00002; gnomAD exomes 0.00001 and 0.00002; ExAC 0.00002; TOPMed 0.00002.

Submissions (4):

Labcorp Genetics (formerly Invitae), Labcorp
Classification: Uncertain significance for Autosomal recessive limb-girdle muscular dystrophy type 2Q; Epidermolysis bullosa simplex, Ogna type; Epidermolysis bullosa simplex with nail dystrophy; Epidermolysis bullosa simplex 5C, with pyloric atresia; Epidermolysis bullosa simplex 5B, with muscular dystrophy. Last evaluated: 2025-12-23. Review status: criteria provided, single submitter. Criteria: Invitae Variant Classification Sherloc (09022015). Collection method: clinical testing. Allele origin: germline.
Comment: This sequence change replaces threonine, which is neutral and polar, with alanine, which is neutral and non-polar, at codon 4393 of the PLEC protein (p.Thr4393Ala). This variant is present in population databases (rs782537151, gnomAD 0.002%). This variant has not been reported in the literature in individuals affected with PLEC-related conditions. ClinVar contains an entry for this variant (Variation ID: 597391). Invitae Evidence Modeling of protein sequence and biophysical properties (such as structural, functional, and spatial information, amino acid conservation, physicochemical variation, residue mobility, and thermodynamic stability) has been performed for this missense variant. However, the output from this modeling did not meet the statistical confidence thresholds required to predict the impact of this variant on PLEC protein function. In summary, the available evidence is currently insufficient to determine the role of this variant in disease. Therefore, it has been classified as a Variant of Uncertain Significance.

Revvity Omics, Revvity
Classification: Uncertain significance. Last evaluated: 2024-09-02. Review status: criteria provided, single submitter. Criteria: ACMG Guidelines, 2015. Collection method: clinical testing. Allele origin: germline.

Ambry Genetics
Classification: Uncertain significance for Inborn genetic diseases. Last evaluated: 2022-01-31. Review status: criteria provided, single submitter. Criteria: Ambry Variant Classification Scheme 2023. Collection method: clinical testing. Allele origin: germline.

Eurofins Ntd Llc (ga)
Classification: Uncertain significance. Last evaluated: 2018-06-01. Review status: criteria provided, single submitter. Criteria: EGL ClinVar v180209 classification definitions. Collection method: clinical testing. Allele origin: germline. Observed: 1 variant allele, 1 heterozygote.

NM_201384.3(PLEC):c.13096A>G (p.Thr4366Ala)

Gene: PLEC (plectin; minus strand). Cytogenetic location: 8q24.3.
Variant type: single nucleotide variant.
Coding change: c.13096A>G on transcript NM_201384.3 (MANE Select); coding-DNA position 13096, A replaced by G.
Protein change: p.Thr4366Ala; replaces threonine 4366 with alanine.
Molecular consequence: missense variant.
Genome position (GRCh38, 1-based): chr8:143,916,725, T>C on the plus strand (A>G on the coding strand, the complement: PLEC is on the minus strand). VCF-style: chr8-143916725-T-C. GRCh37 (hg19) VCF-style: chr8-144990893-T-C.
Other names: c.13177A>G, p.Thr4393Ala (NM_000445.5); c.13054A>G, p.Thr4352Ala (NM_201378.4); c.13030A>G, p.Thr4344Ala (NM_201379.3); c.13507A>G, p.Thr4503Ala (NM_201380.4); c.13000A>G, p.Thr4334Ala (NM_201381.3); c.13096A>G, p.Thr4366Ala (NM_201382.4); c.13108A>G, p.Thr4370Ala (NM_201383.3); c.13177A>G (NM_000445.3); short protein forms T4366A, T4370A, T4393A, T4503A, T4334A, T4344A, T4352A.
Identifiers: ClinVar variation 597391 (VCV000597391.17), dbSNP rs782537151, ClinGen allele CA4923905.